The following is an entry in ClinVar:

NM_001206927.2(DNAH8):c.11729T>G (p.Phe3910Cys)

Genes: DNAH8 (dynein axonemal heavy chain 8; plus strand), DNAH8-AS1 (DNAH8 antisense RNA 1; minus strand). Cytogenetic location: 6p21.2.
Variant type: single nucleotide variant.
Coding change: c.11729T>G on transcript NM_001206927.2 (MANE Select); coding-DNA position 11729, T replaced by G.
Protein change: p.Phe3910Cys; replaces phenylalanine 3910 with cysteine.
Molecular consequence: missense variant.
Genome position (GRCh38, 1-based): chr6:38,938,139, T>G. VCF-style: chr6-38938139-T-G. GRCh37 (hg19) VCF-style: chr6-38905915-T-G.
Other names: c.11078T>G, p.Phe3693Cys (NM_001371.4); short protein forms F3910C, F3693C.
Identifiers: ClinVar variation 856868 (VCV000856868.9), dbSNP rs375158290, ClinGen allele CA3791165.

ClinVar aggregate classification (germline): Uncertain significance (1 of 4 stars; one submission).

Conditions:
Primary ciliary dyskinesia. Also called: Ciliary dyskinesia. Identifiers: Orphanet 244, MedGen C0008780, MONDO:0016575, HP:0012265.

Allele frequency attached by ClinVar (database versions not stated): TOPMed 0.00003.
gnomAD v4.1: 15 of 1,613,968 alleles (0.00093%); highest among the groups gnomAD compares: East Asian, 0.0045%; no homozygotes.

Submission:

Labcorp Genetics (formerly Invitae), Labcorp
Classification: Uncertain significance for Primary ciliary dyskinesia. Last evaluated: 2021-08-31. Review status: criteria provided, single submitter. Criteria: Invitae Variant Classification Sherloc (09022015). Collection method: clinical testing. Allele origin: germline.
Comment: This sequence change replaces phenylalanine with cysteine at codon 3910 of the DNAH8 protein (p.Phe3910Cys). The phenylalanine residue is highly conserved and there is a large physicochemical difference between phenylalanine and cysteine. This variant is present in population databases (rs375158290, ExAC 0.006%). This variant has not been reported in the literature in individuals affected with DNAH8-related conditions. Algorithms developed to predict the effect of missense changes on protein structure and function are either unavailable or do not agree on the potential impact of this missense change (SIFT: "Deleterious"; PolyPhen-2: "Not Available"; Align-GVGD: "Class C65"). In summary, the available evidence is currently insufficient to determine the role of this variant in disease. Therefore, it has been classified as a Variant of Uncertain Significance.